The following is an entry in ClinVar:

ClinVar aggregate classification (germline): Uncertain significance (1 of 4 stars; one submission).

Allele frequency attached by ClinVar (database versions not stated): gnomAD exomes 0.00001 and 0.00006; ExAC 0.00002; gnomAD 0.00005 and 0.00006; TOPMed 0.00008.
gnomAD v4.1: 29 of 1,610,522 alleles (0.0018%); highest among the groups gnomAD compares: Admixed American, 0.042%; no homozygotes.

Submission:

Labcorp Genetics (formerly Invitae), Labcorp
Classification: Uncertain significance. Last evaluated: 2025-06-12. Review status: criteria provided, single submitter. Criteria: Invitae Variant Classification Sherloc (09022015). Collection method: clinical testing. Allele origin: germline.
Comment: This sequence change replaces glycine, which is neutral and non-polar, with arginine, which is basic and polar, at codon 198 of the SUCLG2 protein (p.Gly198Arg). This variant is present in population databases (rs773673191, gnomAD 0.05%). This variant has not been reported in the literature in individuals affected with SUCLG2-related conditions. ClinVar contains an entry for this variant (Variation ID: 1471100). An algorithm developed to predict the effect of missense changes on protein structure and function (PolyPhen-2) suggests that this variant is likely to be disruptive. In summary, the available evidence is currently insufficient to determine the role of this variant in disease. Therefore, it has been classified as a Variant of Uncertain Significance.

NM_003848.4(SUCLG2):c.592G>A (p.Gly198Arg)

Gene: SUCLG2 (succinate-CoA ligase GDP-forming subunit beta; minus strand). Cytogenetic location: 3p14.1.
Variant type: single nucleotide variant.
Coding change: c.592G>A on transcript NM_003848.4 (MANE Select); coding-DNA position 592, G replaced by A.
Protein change: p.Gly198Arg; replaces glycine 198 with arginine.
Molecular consequence: missense variant.
Genome position (GRCh38, 1-based): chr3:67,518,315, C>T on the plus strand (G>A on the coding strand, the complement: SUCLG2 is on the minus strand). VCF-style: chr3-67518315-C-T. GRCh37 (hg19) VCF-style: chr3-67568739-C-T.
Other names: c.592G>A, p.Gly198Arg (NM_001177599.2); short protein forms G198R.
Identifiers: ClinVar variation 1471100 (VCV001471100.6), dbSNP rs773673191, ClinGen allele CA2485963.
Genomic context (GRCh38, chr3:67,518,315, plus strand): 5'-TCAAAGGCCCAACGAAGCCTAGATTTTCGGCCATCCGCTGAGCTTGGCTGTCCTTTATTC[C>T]TTCAAAAATGTCAATTTGCTCCTAGTAAAAATAAATCAAATAAACAAAATTCAGACAGTC-3'
Protein context (NP_003839.2, residues 188-208): IFKEQIDIFE[Gly198Arg]IKDSQAQRMA